The following is an entry in ClinVar:

ClinVar aggregate classification (germline): Uncertain significance (1 of 4 stars; one submission).

Conditions:
Inborn genetic diseases. Identifiers: MedGen C0950123, MeSH D030342.

Submission:

Ambry Genetics
Classification: Uncertain significance for Inborn genetic diseases. Last evaluated: 2026-08-09. Review status: criteria provided, single submitter. Criteria: Ambry Variant Classification Scheme 2023. Collection method: clinical testing. Allele origin: germline.
Comment: The p.L767I variant (also known as c.2299T>A), located in coding exon 1 of the SAMD9L gene, results from a T to A substitution at nucleotide position 2299. The leucine at codon 767 is replaced by isoleucine, an amino acid with highly similar properties. This amino acid position is conserved. In addition, this alteration is predicted to be tolerated by in silico analysis. Based on the available evidence, the clinical significance of this variant remains unclear.

NM_152703.5(SAMD9L):c.2299T>A (p.Leu767Ile)

Gene: SAMD9L (sterile alpha motif domain containing 9 like; minus strand). Cytogenetic location: 7q21.2.
Variant type: single nucleotide variant.
Coding change: c.2299T>A on transcript NM_152703.5 (MANE Select); coding-DNA position 2299, T replaced by A.
Protein change: p.Leu767Ile; replaces leucine 767 with isoleucine.
Molecular consequence: missense variant.
Genome position (GRCh38, 1-based): chr7:93,133,673, A>T on the plus strand (T>A on the coding strand, the complement: SAMD9L is on the minus strand). VCF-style: chr7-93133673-A-T. GRCh37 (hg19) VCF-style: chr7-92762986-A-T.
Other names: c.2299T>A, p.Leu767Ile (NM_001303496.3, NM_001303497.3, NM_001303498.3 and 5 more transcripts); short protein forms L767I.
Identifiers: ClinVar variation 5028937 (VCV005028937.1).